The following is an entry in ClinVar:

NM_032108.4(SEMA6B):c.1861T>G (p.Phe621Val)

Gene: SEMA6B (semaphorin 6B; minus strand). Cytogenetic location: 19p13.3.
Variant type: single nucleotide variant.
Coding change: c.1861T>G on transcript NM_032108.4 (MANE Select); coding-DNA position 1861, T replaced by G.
Protein change: p.Phe621Val; replaces phenylalanine 621 with valine.
Molecular consequence: missense variant.
Genome position (GRCh38, 1-based): chr19:4,544,407, A>C on the plus strand (T>G on the coding strand, the complement: SEMA6B is on the minus strand). VCF-style: chr19-4544407-A-C. GRCh37 (hg19) VCF-style: chr19-4544419-A-C.
Other names: short protein forms F621V.
Identifiers: ClinVar variation 3907707 (VCV003907707.1).

ClinVar aggregate classification (germline): Uncertain significance (1 of 4 stars; one submission).

Submission:

GeneDx
Classification: Uncertain significance. Last evaluated: 2024-12-31. Review status: criteria provided, single submitter. Criteria: GeneDx Variant Classification Process June 2021. Collection method: clinical testing. Allele origin: germline. Affected: yes.
Comment: Not observed at significant frequency in large population cohorts (gnomAD); In silico analysis indicates that this missense variant does not alter protein structure/function; Has not been previously published as pathogenic or benign to our knowledge